The following is an entry in ClinVar:

NM_000368.5(TSC1):c.2938G>A (p.Glu980Lys)

Gene: TSC1 (TSC complex subunit 1; minus strand). Cytogenetic location: 9q34.13.
Variant type: single nucleotide variant.
Coding change: c.2938G>A on transcript NM_000368.5 (MANE Select); coding-DNA position 2938, G replaced by A.
Protein change: p.Glu980Lys; replaces glutamic acid 980 with lysine.
Molecular consequence: missense variant.
Genome position (GRCh38, 1-based): chr9:132,897,221, C>T on the plus strand (G>A on the coding strand, the complement: TSC1 is on the minus strand). VCF-style: chr9-132897221-C-T. GRCh37 (hg19) VCF-style: chr9-135772608-C-T.
Other names: c.2935G>A, p.Glu979Lys (NM_001162426.2); c.2785G>A, p.Glu929Lys (NM_001162427.2); c.2575G>A, p.Glu859Lys (NM_001362177.2); short protein forms E980K, E859K, E929K, E979K.
Identifiers: ClinVar variation 230504 (VCV000230504.17), dbSNP rs876658600, ClinGen allele CA10578823.
Genomic context (GRCh38, chr9:132,897,221, plus strand): 5'-ATGAATCAGTTCTTTGTTCCTACCTTTCTTCTGCTGCTTCAGCTGCTTCTGCTTTTTCTT[C>T]TTCAAGTTTTTTCAGGAGGCCATCTTTCTCCAACCTGCCATATAAATCTAAGATCTCCAA-3'
Protein context (NP_000359.1, residues 970-990): EKDGLLKKLE[Glu980Lys]EKAEAAEAAE

ClinVar aggregate classification (germline): Uncertain significance. Review status: criteria provided, multiple submitters, no conflicts (2 of 4 stars). 4 submissions from 4 submitters: Uncertain significance (4). Last evaluated 2024-10-20.

Conditions:
Hereditary cancer-predisposing syndrome. Also called: Hereditary Cancer Syndrome; Neoplastic Syndromes, Hereditary; Tumor predisposition; Hereditary neoplastic syndrome. Identifiers: Orphanet 140162, MedGen C0027672, MeSH D009386, MONDO:0015356.
Tuberous sclerosis 1 (TSC1). Identifiers: Orphanet 805, MedGen C1854465, MONDO:0008612, OMIM 191100.

Submissions (4):

Labcorp Genetics (formerly Invitae), Labcorp
Classification: Uncertain significance for Tuberous sclerosis 1. Last evaluated: 2024-10-20. Review status: criteria provided, single submitter. Criteria: Invitae Variant Classification Sherloc (09022015). Collection method: clinical testing. Allele origin: germline.
Comment: This sequence change replaces glutamic acid, which is acidic and polar, with lysine, which is basic and polar, at codon 980 of the TSC1 protein (p.Glu980Lys). This variant is not present in population databases (gnomAD no frequency). This variant has not been reported in the literature in individuals affected with TSC1-related conditions. ClinVar contains an entry for this variant (Variation ID: 230504). Invitae Evidence Modeling of protein sequence and biophysical properties (such as structural, functional, and spatial information, amino acid conservation, physicochemical variation, residue mobility, and thermodynamic stability) indicates that this missense variant is not expected to disrupt TSC1 protein function with a negative predictive value of 95%. RNA analysis performed to evaluate the impact of this missense change on mRNA splicing indicates it does not significantly alter splicing (internal data). In summary, the available evidence is currently insufficient to determine the role of this variant in disease. Therefore, it has been classified as a Variant of Uncertain Significance.

Genome-Nilou Lab
Classification: Uncertain significance for Tuberous sclerosis 1. Last evaluated: 2021-11-07. Review status: criteria provided, single submitter. Criteria: ACMG Guidelines, 2015. Collection method: clinical testing. Allele origin: germline. Affected: no.

Ambry Genetics
Classification: Uncertain significance for Hereditary cancer-predisposing syndrome. Last evaluated: 2015-02-24. Review status: criteria provided, single submitter. Criteria: Ambry Variant Classification Scheme 2023. Collection method: clinical testing. Allele origin: germline.
Comment: The p.E980K variant (also known as c.2938G>A), located in coding exon 20 of the TSC1 gene, results from a G to A substitution at nucleotide position 2938. The glutamic acid at codon 980 is replaced by lysine, an amino acid with similar properties. This variant was not reported in population based cohorts in the following databases: Database of Single Nucleotide Polymorphisms (dbSNP), NHLBI Exome Sequencing Project (ESP), and 1000 Genomes Project. In the ESP, this variant was not observed in 6503 samples (13006 alleles) with coverage at this position. To date, this alteration has been detected with an allele frequency of approximately 0.06% (greater than 1800 alleles tested) in our clinical cohort. Based on protein sequence alignment, this amino acid position is well conserved in available vertebrate species. In addition, the in silico prediction for this alteration is inconclusive. Since supporting evidence is limited at this time, the clinical significance of p.E980K remains unclear.

Breakthrough Genomics
Classification: Uncertain significance. Review status: criteria provided, single submitter. Criteria: ACMG Guidelines, 2015. Collection method: not provided. Allele origin: germline. Inheritance: Autosomal dominant inheritance. Affected: yes.